The following is an entry in ClinVar:

NM_000289.6(PFKM):c.639-85T>C

Gene: PFKM (phosphofructokinase, muscle; plus strand). Cytogenetic location: 12q13.11.
Variant type: single nucleotide variant.
Coding change: c.639-85T>C on transcript NM_000289.6 (MANE Select); 85 bases into the intron before coding-DNA position 639, T replaced by C.
Molecular consequence: intron variant.
Genome position (GRCh38, 1-based): chr12:48,134,636, T>C. VCF-style: chr12-48134636-T-C. GRCh37 (hg19) VCF-style: chr12-48528419-T-C.
Other names: c.663-85T>C (NM_001354741.2); c.639-85T>C (NM_001354742.2, NM_001354743.2, NM_001354744.2 and 4 more transcripts); c.489-85T>C (NM_001354747.2, NM_001354748.2); c.852-85T>C (NM_001166686.2, NM_001354737.1, NM_001354739.1 and 1 more transcripts); c.948-85T>C (NM_001354736.1, NM_001354735.1); c.783-85T>C (NM_001354740.1); c.552-85T>C (NM_001354745.2).
Identifiers: ClinVar variation 676171 (VCV000676171.4), dbSNP rs2286020, ClinGen allele CA13687183.

ClinVar aggregate classification (germline): Benign. Review status: criteria provided, multiple submitters, no conflicts (2 of 4 stars). 3 submissions from 3 submitters: Benign (3). Last evaluated 2021-07-01.

Conditions:
Glycogen storage disease, type VII (GSD7). Also called: GSD VII; MUSCLE PHOSPHOFRUCTOKINASE DEFICIENCY; PFKM DEFICIENCY; TARUI DISEASE. Identifiers: Orphanet 371, MedGen C0017926, MONDO:0009295, OMIM 232800.

Allele frequency attached by ClinVar (database versions not stated): gnomAD exomes 0.14640; gnomAD 0.18728 and 0.19143; 1000 Genomes Project 0.18910; TOPMed 0.19324; 1000 Genomes Project 30x 0.19410.
gnomAD v4.1: 153,543 of 1,004,338 alleles (15%); highest among the groups gnomAD compares: African/African-American, 32%; 13,210 homozygotes.

Submissions (3):

Pars Genome Lab
Classification: Benign for Glycogen storage disease, type VII. Last evaluated: 2021-07-01. Review status: criteria provided, single submitter. Criteria: ACMG Guidelines, 2015. Collection method: clinical testing. Allele origin: germline. Affected: no.

GeneDx
Classification: Benign. Last evaluated: 2018-06-19. Review status: criteria provided, single submitter. Criteria: GeneDx Variant Classification (06012015). Collection method: clinical testing. Allele origin: germline. Affected: yes.
Comment: This variant is considered likely benign or benign based on one or more of the following criteria: it is a conservative change, it occurs at a poorly conserved position in the protein, it is predicted to be benign by multiple in silico algorithms, and/or has population frequency not consistent with disease.

Breakthrough Genomics
Classification: Benign. Review status: criteria provided, single submitter. Criteria: ACMG Guidelines, 2015. Collection method: not provided. Allele origin: germline. Inheritance: Autosomal recessive inheritance. Affected: yes.